The following is an entry in ClinVar:

ClinVar aggregate classification (germline): Uncertain significance (1 of 4 stars; one submission).

Allele frequency attached by ClinVar (database versions not stated): ExAC 0.00001; gnomAD exomes 0.00001; TOPMed 0.00001.
gnomAD v4.1: 6 of 1,600,096 alleles (0.00037%); highest among the groups gnomAD compares: East Asian, 0.009%; no homozygotes.

Submission:

Labcorp Genetics (formerly Invitae), Labcorp
Classification: Uncertain significance. Last evaluated: 2025-09-02. Review status: criteria provided, single submitter. Criteria: Invitae Variant Classification Sherloc (09022015). Collection method: clinical testing. Allele origin: germline.
Comment: This sequence change affects codon 44 of the MYO7A mRNA. It is a 'silent' change, meaning that it does not change the encoded amino acid sequence of the MYO7A protein. It affects a nucleotide within the consensus splice site. The frequency data for this variant in the population databases is considered unreliable, as metrics indicate poor data quality at this position in the gnomAD database. This variant has not been reported in the literature in individuals affected with MYO7A-related conditions. ClinVar contains an entry for this variant (Variation ID: 1449670). Algorithms developed to predict the effect of sequence changes on RNA splicing suggest that this variant is not likely to affect RNA splicing. In summary, the available evidence is currently insufficient to determine the role of this variant in disease. Therefore, it has been classified as a Variant of Uncertain Significance.

NM_000260.4(MYO7A):c.132T>C (p.Asn44=)

Gene: MYO7A (myosin VIIA; plus strand). Cytogenetic location: 11q13.5.
Variant type: single nucleotide variant.
Coding change: c.132T>C on transcript NM_000260.4 (MANE Select); coding-DNA position 132, T replaced by C.
Protein change: p.Asn44=; no amino-acid change (asparagine 44 retained).
Molecular consequence: synonymous variant.
Genome position (GRCh38, 1-based): chr11:77,142,822, T>C. VCF-style: chr11-77142822-T-C. GRCh37 (hg19) VCF-style: chr11-76853868-T-C.
Other names: c.132T>C, p.Asn44= (NM_001127180.2); c.99T>C, p.Asn33= (NM_001369365.1).
Identifiers: ClinVar variation 1449670 (VCV001449670.6), dbSNP rs782722303, ClinGen allele CA6197031.
Genomic context (GRCh38, chr11:77,142,822, plus strand): 5'-CGGGGCGGTGGTGAAGCTCTGCGACTCTGGGCAGGTCCAGGTGGTGGATGATGAAGACAA[T>C]GTGAGTAGTCCCCTCCCTCCTCCTGCCCCATGCCTTGGGGTCAGACCTGGGCTGACAGCT-3'
Protein context (NP_000251.3, residues 34-54): GQVQVVDDED[Asn44=]EHWISPQNAT